The following is an entry in ClinVar:

NM_001042492.3(NF1):c.5462T>G (p.Val1821Gly)

Gene: NF1 (neurofibromin 1; plus strand). Cytogenetic location: 17q11.2.
Variant type: single nucleotide variant.
Coding change: c.5462T>G on transcript NM_001042492.3 (MANE Select); coding-DNA position 5462, T replaced by G.
Protein change: p.Val1821Gly; replaces valine 1821 with glycine.
Molecular consequence: missense variant.
Genome position (GRCh38, 1-based): chr17:31,327,692, T>G. VCF-style: chr17-31327692-T-G. GRCh37 (hg19) VCF-style: chr17-29654710-T-G.
Other names: c.5399T>G, p.Val1800Gly (NM_000267.4); short protein forms V1800G, V1821G.
Identifiers: ClinVar variation 2814070 (VCV002814070.3), dbSNP rs2151541436, ClinGen allele CA399009499.
Genomic context (GRCh38, chr17:31,327,692, plus strand): 5'-TAACCATTGCAAACCAGGGCACGCCGCTCACCTTCATGCACCAGGAGTGTGAAGCCATTG[T>G]CCAGTCTATCATTCATATCCGGACCCGCTGGGAACTGTCACAGCCCGACTCTATCCCCCA-3'
Protein context (NP_001035957.1, residues 1811-1831): TFMHQECEAI[Val1821Gly]QSIIHIRTRW

ClinVar aggregate classification (germline): Uncertain significance (1 of 4 stars; one submission).

Conditions:
Neurofibromatosis, type 1 (NF1). Also called: NEUROFIBROMATOSIS, TYPE I, SOMATIC; Peripheral type neurofibromatosis; VON RECKLINGHAUSEN DISEASE; Neurofibromatosis, type I. Identifiers: Orphanet 636, MedGen C0027831, MONDO:0018975, OMIM 162200. Disease mechanism: loss of function.

Submission:

Labcorp Genetics (formerly Invitae), Labcorp
Classification: Uncertain significance for Neurofibromatosis, type 1. Last evaluated: 2022-11-14. Review status: criteria provided, single submitter. Criteria: Invitae Variant Classification Sherloc (09022015). Collection method: clinical testing. Allele origin: germline.
Comment: This sequence change replaces valine, which is neutral and non-polar, with glycine, which is neutral and non-polar, at codon 1800 of the NF1 protein (p.Val1800Gly). This variant is not present in population databases (gnomAD no frequency). This variant has not been reported in the literature in individuals affected with NF1-related conditions. Advanced modeling of protein sequence and biophysical properties (such as structural, functional, and spatial information, amino acid conservation, physicochemical variation, residue mobility, and thermodynamic stability) performed at Invitae indicates that this missense variant is expected to disrupt NF1 protein function. In summary, the available evidence is currently insufficient to determine the role of this variant in disease. Therefore, it has been classified as a Variant of Uncertain Significance.